The following is an entry in ClinVar:

NM_000059.4(BRCA2):c.8798G>C (p.Arg2933Thr)

Gene: BRCA2 (BRCA2 DNA repair associated; plus strand). Cytogenetic location: 13q13.1.
Variant type: single nucleotide variant.
Coding change: c.8798G>C on transcript NM_000059.4 (MANE Select); coding-DNA position 8798, G replaced by C.
Protein change: p.Arg2933Thr; replaces arginine 2933 with threonine.
Molecular consequence: missense variant.
Genome position (GRCh38, 1-based): chr13:32,379,360, G>C. VCF-style: chr13-32379360-G-C. GRCh37 (hg19) VCF-style: chr13-32953497-G-C.
Other names: short protein forms R2933T.
Identifiers: ClinVar variation 234098 (VCV000234098.25), dbSNP rs553440338, ClinGen allele CA6941300.

ClinVar aggregate classification (germline): Conflicting classifications of pathogenicity. Review status: criteria provided, conflicting classifications (1 of 4 stars). 9 submissions from 9 submitters: Uncertain significance (4); Likely benign (3). 2 of the submissions do not count toward it. Last evaluated 2026-02-06.

Conditions:
Hereditary cancer-predisposing syndrome. Also called: Neoplastic Syndromes, Hereditary; Hereditary Cancer Syndrome; Hereditary neoplastic syndrome; Tumor predisposition. Identifiers: Orphanet 140162, MedGen C0027672, MeSH D009386, MONDO:0015356.
Breast-ovarian cancer, familial, susceptibility to, 2 (BROVCA2). Also called: BRCA2 Hereditary Breast and Ovarian Cancer. Identifiers: Orphanet 145, MedGen C2675520, MONDO:0012933, OMIM 612555. Disease mechanism: loss of function.
Hereditary breast ovarian cancer syndrome. Also called: Hereditary breast and ovarian cancer syndrome (HBOC); Hereditary breast and/or ovarian cancer syndrome; Breast and ovarian cancer; Hereditary breast and ovarian cancer syndrome; Hereditary breast and ovarian cancer; BRCA1- and BRCA2-Associated Hereditary Breast and Ovarian Cancer. Identifiers: Orphanet 145, MedGen C0677776, MeSH D061325, MONDO:0003582. Disease mechanism: loss of function.
Familial cancer of breast. Also called: Hereditary breast cancer; BREAST CANCER, FAMILIAL; hereditary breast carcinoma. Identifiers: Orphanet 227535, MedGen C0346153, MONDO:0016419, OMIM 114480. Disease mechanism: loss of function.

Allele frequency attached by ClinVar (database versions not stated): gnomAD exomes 0.00001; gnomAD 0.00001; ExAC 0.00002; TOPMed 0.00002.
gnomAD v4.1: 5 of 1,613,694 alleles (0.00031%); highest among the groups gnomAD compares: Non-Finnish European, 0.00042%; no homozygotes.

Submissions (9):

Myriad Genetics, Inc.
Classification: Likely benign for Breast-ovarian cancer, familial, susceptibility to, 2. Last evaluated: 2026-02-06. Review status: criteria provided, single submitter. Criteria: Myriad Autosomal Dominant, Autosomal Recessive and X-Linked Classification Criteria (2023). Collection method: clinical testing. Allele origin: unknown.
Comment: This variant is considered likely benign. This variant is strongly associated with less severe personal and family histories of cancer, typical for individuals without pathogenic variants in this gene [PMID: 25085752].

Labcorp Genetics (formerly Invitae), Labcorp
Classification: Uncertain significance for Hereditary breast ovarian cancer syndrome. Last evaluated: 2025-08-11. Review status: criteria provided, single submitter. Criteria: Invitae Variant Classification Sherloc (09022015). Collection method: clinical testing. Allele origin: germline.
Comment: This sequence change replaces arginine, which is basic and polar, with threonine, which is neutral and polar, at codon 2933 of the BRCA2 protein (p.Arg2933Thr). This variant is present in population databases (rs553440338, gnomAD 0.002%). This variant has not been reported in the literature in individuals affected with BRCA2-related conditions. ClinVar contains an entry for this variant (Variation ID: 234098). Invitae Evidence Modeling of protein sequence and biophysical properties (such as structural, functional, and spatial information, amino acid conservation, physicochemical variation, residue mobility, and thermodynamic stability) indicates that this missense variant is not expected to disrupt BRCA2 protein function with a negative predictive value of 95%. Experimental studies have shown that this missense change does not substantially affect BRCA2 function (PMID: 32444794, 39779857). In summary, the available evidence is currently insufficient to determine the role of this variant in disease. Therefore, it has been classified as a Variant of Uncertain Significance.

Quest Diagnostics Nichols Institute San Juan Capistrano
Classification: Uncertain significance. Last evaluated: 2025-05-08. Review status: criteria provided, single submitter. Criteria: Quest Diagnostics criteria. Collection method: clinical testing. Allele origin: unknown.
Comment: The BRCA2 c.8798G>C (p.Arg2933Thr) variant has been reported in the published literature in a reportedly unaffected individual in a large scale breast cancer association study (PMID: 33471991 (2021), see also LOVD). Functional studies demonstrated that this variant is not damaging to protein function (PMIDs: 32444794 (2020) and 39779857 (2025)). A multifactorial analysis reported that this variant had an inconclusive likelihood ratio for pathogenicity (PMID: 31853058 (2020)). The frequency of this variant in the general population (Genome Aggregation Database) is uninformative in the assessment of its pathogenicity. Analysis of this variant using bioinformatics tools for the prediction of the effect of amino acid changes on protein structure and function yielded conflicting predictions that this variant is benign or damaging. Based on the available information, we are unable to determine the clinical significance of this variant.

Color Diagnostics, LLC DBA Color Health
Classification: Uncertain significance for Hereditary cancer-predisposing syndrome. Last evaluated: 2025-03-04. Review status: criteria provided, single submitter. Criteria: ACMG Guidelines, 2015. Collection method: clinical testing. Allele origin: germline.
Comment: This missense variant replaces arginine with threonine at codon 2933 of the BRCA2 protein. Computational prediction suggests that this variant may not impact protein structure and function. Functional studies have shown that this variant does not impact BRCA2 functions in sensitivity assays to PARP inhibitors and carboplatin and in a haploid cell proliferation assay (PMID: 32444794, 39779857). This variant has been detected in a breast cancer case-control meta-analysis in 0/60466 cases and 1/53461 unaffected individuals (PMID: 33471991; Leiden Open Variation Database DB-ID BRCA2_001088). A multifactorial analysis has reported a likelihood ratio for pathogenicity based on personal and family history of 0.556 from log(LR)=-0.254875869 for one carrier (PMID: 31853058). This variant has been identified in 2/250796 chromosomes in the general population by the Genome Aggregation Database (gnomAD). The available evidence is insufficient to determine the role of this variant in disease conclusively. Therefore, this variant is classified as a Variant of Uncertain Significance.

MGZ Medical Genetics Center
Classification: Likely benign for Familial cancer of breast. Last evaluated: 2024-02-09. Review status: criteria provided, single submitter. Criteria: CSpec BRCA1/2ACMG Rules Specifications V1.1.0. Collection method: clinical testing. Allele origin: germline. Affected: yes.
Comment: ACMG codes applied following ENIGMA VCEP rules: BS3, BP4

Baylor Genetics
Classification: Uncertain significance for Familial cancer of breast. Last evaluated: 2023-09-21. Review status: criteria provided, single submitter. Criteria: ACMG Guidelines, 2015. Collection method: clinical testing. Allele origin: unknown.

Ambry Genetics
Classification: Likely benign for Hereditary cancer-predisposing syndrome. Last evaluated: 2022-01-11. Review status: criteria provided, single submitter. Criteria: Ambry Variant Classification Scheme 2023. Collection method: clinical testing. Allele origin: germline.

Diagnostic Laboratory, Department of Genetics, University Medical Center Groningen
Classification: Uncertain significance. Review status: no assertion criteria provided. Collection method: clinical testing. Allele origin: germline. Affected: yes. Study: VKGL Data-share Consensus. Not counted in ClinVar's aggregate classification.

Joint Genome Diagnostic Labs from Nijmegen and Maastricht, Radboudumc and MUMC+
Classification: Uncertain significance. Review status: no assertion criteria provided. Collection method: clinical testing. Allele origin: germline. Affected: yes. Study: VKGL Data-share Consensus. Not counted in ClinVar's aggregate classification.

Literature cited by the submitters: PubMed 25085752 (cited by Myriad Genetics, Inc.); PubMed 32444794 (cited by 4 submitters); PubMed 39779857 (cited by 3 submitters); PubMed 33471991 (cited by Quest Diagnostics Nichols Institute San Juan Capistrano and Color Diagnostics, LLC DBA Color Health); PubMed 31853058 (cited by Quest Diagnostics Nichols Institute San Juan Capistrano and Color Diagnostics, LLC DBA Color Health).